The following is an entry in ClinVar:

NM_001761.3(CCNF):c.498C>T (p.Ala166=)

Gene: CCNF (cyclin F; plus strand). Cytogenetic location: 16p13.3.
Variant type: single nucleotide variant.
Coding change: c.498C>T on transcript NM_001761.3 (MANE Select); coding-DNA position 498, C replaced by T.
Protein change: p.Ala166=; no amino-acid change (alanine 166 retained).
Molecular consequence: synonymous variant. On other transcripts: 5 prime UTR variant (1).
Genome position (GRCh38, 1-based): chr16:2,437,280, C>T. VCF-style: chr16-2437280-C-T. GRCh37 (hg19) VCF-style: chr16-2487281-C-T.
Other names: c.-427C>T (NM_001323538.2).
Identifiers: ClinVar variation 2646058 (VCV002646058.24), dbSNP rs150541774, ClinGen allele CA7842089.
Genomic context (GRCh38, chr16:2,437,280, plus strand): 5'-ACCTTTCATCTGGCTCTTCATCCGCCCTCCGTGGTCGGTGAGCGGAAGCTGCTGCAAGGC[C>T]GTGGTTCACGAGAGCCTCAGGGCAGAGTGCCAGCTGCAGAGGGTGAGTCTGGGCGAGGGG-3'
Protein context (NP_001752.2, residues 156-176): PWSVSGSCCK[Ala166=]VVHESLRAEC

ClinVar aggregate classification (germline): Likely benign (1 of 4 stars; one submission).

Allele frequency attached by ClinVar (database versions not stated): gnomAD exomes 0.00003; ExAC 0.00004; TOPMed 0.00005; gnomAD 0.00006; ESP Exome Variant Server 0.00008; 1000 Genomes Project 30x 0.00016; 1000 Genomes Project 0.00020.
gnomAD v4.1: 55 of 1,607,552 alleles (0.0034%); highest among the groups gnomAD compares: Admixed American, 0.0067%; no homozygotes.

Submission:

CeGaT Center for Human Genetics Tuebingen
Classification: Likely benign. Last evaluated: 2023-02-01. Review status: criteria provided, single submitter. Criteria: CeGaT Center For Human Genetics Tuebingen Variant Classification Criteria Version 2. Collection method: clinical testing. Allele origin: germline. Affected: yes. Observed: 1 variant allele.
Comment: CCNF: BP4, BP7